The following is an entry in ClinVar:

NM_001372.4(DNAH9):c.5383G>A (p.Ala1795Thr)

Gene: DNAH9 (dynein axonemal heavy chain 9; plus strand). Cytogenetic location: 17p12.
Variant type: single nucleotide variant.
Coding change: c.5383G>A on transcript NM_001372.4 (MANE Select); coding-DNA position 5383, G replaced by A.
Protein change: p.Ala1795Thr; replaces alanine 1795 with threonine.
Molecular consequence: missense variant.
Genome position (GRCh38, 1-based): chr17:11,704,434, G>A. VCF-style: chr17-11704434-G-A. GRCh37 (hg19) VCF-style: chr17-11607751-G-A.
Other names: c.5383G>A (NM_001372.3); short protein forms A1795T.
Identifiers: ClinVar variation 1496658 (VCV001496658.12), dbSNP rs201657301, ClinGen allele CA8395981.

ClinVar aggregate classification (germline): Uncertain significance. Review status: criteria provided, multiple submitters, no conflicts (2 of 4 stars). 4 submissions from 4 submitters: Uncertain significance (4). Last evaluated 2025-09-25.

Conditions:
Inborn genetic diseases. Identifiers: MedGen C0950123, MeSH D030342.
Ciliary dyskinesia, primary, 40. Also called: CILIARY DYSKINESIA, PRIMARY, 40, WITH OR WITHOUT SITUS INVERSUS. Identifiers: MedGen C4749028, MONDO:0032664, OMIM 618300.

Allele frequency attached by ClinVar (database versions not stated): 1000 Genomes Project 30x 0.00016; 1000 Genomes Project 0.00020.
gnomAD v4.1: 94 of 1,612,940 alleles (0.0058%); highest among the groups gnomAD compares: Admixed American, 0.093%; no homozygotes.

Submissions (4):

Ambry Genetics
Classification: Uncertain significance for Inborn genetic diseases. Last evaluated: 2025-09-25. Review status: criteria provided, single submitter. Criteria: Ambry Variant Classification Scheme 2023. Collection method: clinical testing. Allele origin: germline.

Blueprint Genetics
Classification: Uncertain significance. Last evaluated: 2024-11-06. Review status: criteria provided, single submitter. Criteria: ACMG Guidelines, 2015. Collection method: clinical testing. Allele origin: germline.

Labcorp Genetics (formerly Invitae), Labcorp
Classification: Uncertain significance. Last evaluated: 2022-08-21. Review status: criteria provided, single submitter. Criteria: Invitae Variant Classification Sherloc (09022015). Collection method: clinical testing. Allele origin: germline.
Comment: This sequence change replaces alanine, which is neutral and non-polar, with threonine, which is neutral and polar, at codon 1795 of the DNAH9 protein (p.Ala1795Thr). This variant is present in population databases (rs201657301, gnomAD 0.06%). This variant has not been reported in the literature in individuals affected with DNAH9-related conditions. ClinVar contains an entry for this variant (Variation ID: 1496658). Algorithms developed to predict the effect of missense changes on protein structure and function are either unavailable or do not agree on the potential impact of this missense change (SIFT: "Deleterious"; PolyPhen-2: "Benign"; Align-GVGD: "Class C0"). In summary, the available evidence is currently insufficient to determine the role of this variant in disease. Therefore, it has been classified as a Variant of Uncertain Significance.

Revvity Omics, Revvity
Classification: Uncertain significance for Ciliary dyskinesia, primary, 40. Last evaluated: 2020-01-21. Review status: criteria provided, single submitter. Criteria: ACMG Guidelines, 2015. Collection method: clinical testing. Allele origin: germline.